The following is an entry in ClinVar:

NM_001164508.2(NEB):c.1610G>A (p.Cys537Tyr)

Gene: NEB (nebulin; minus strand). Cytogenetic location: 2q23.3.
Variant type: single nucleotide variant.
Coding change: c.1610G>A on transcript NM_001164508.2 (MANE Select); coding-DNA position 1610, G replaced by A.
Protein change: p.Cys537Tyr; replaces cysteine 537 with tyrosine.
Molecular consequence: missense variant.
Genome position (GRCh38, 1-based): chr2:151,695,642, C>T on the plus strand (G>A on the coding strand, the complement: NEB is on the minus strand). VCF-style: chr2-151695642-C-T. GRCh37 (hg19) VCF-style: chr2-152552156-C-T.
Other names: c.1610G>A, p.Cys537Tyr (NM_001164507.2, NM_001271208.2, NM_004543.5); short protein forms C537Y.
Identifiers: ClinVar variation 570749 (VCV000570749.11), dbSNP rs935982815, ClinGen allele CA57675802.

ClinVar aggregate classification (germline): Conflicting classifications of pathogenicity. Review status: criteria provided, conflicting classifications (1 of 4 stars). 2 submissions from 2 submitters: Uncertain significance (1); Likely benign (1). Last evaluated 2025-08-18.

Conditions:
Nemaline myopathy 2 (NEM2). Also called: Nemaline myopathy 2, autosomal recessive. Identifiers: MedGen C1850569, MONDO:0009725, OMIM 256030.

Allele frequency attached by ClinVar (database versions not stated): gnomAD exomes below 0.00001 and 0.00001.

Submissions (2):

Labcorp Genetics (formerly Invitae), Labcorp
Classification: Likely benign for Nemaline myopathy 2. Last evaluated: 2025-08-18. Review status: criteria provided, single submitter. Criteria: Invitae Variant Classification Sherloc (09022015). Collection method: clinical testing. Allele origin: germline.

GeneDx
Classification: Uncertain significance. Last evaluated: 2019-09-19. Review status: criteria provided, single submitter. Criteria: GeneDx Variant Classification Process June 2021. Collection method: clinical testing. Allele origin: germline. Affected: yes.
Comment: Not observed at a significant frequency in large population cohorts (Lek et al., 2016); In silico analysis, which includes protein predictors and evolutionary conservation, supports that this variant does not alter protein structure/function; Has not been previously published as pathogenic or benign to our knowledge